The following is an entry in ClinVar:

ClinVar aggregate classification (germline): Uncertain significance. Review status: criteria provided, multiple submitters, no conflicts (2 of 4 stars). 2 submissions from 2 submitters: Uncertain significance (2). Last evaluated 2025-03-04.

Conditions:
Immunodeficiency, common variable, 7. Identifiers: Orphanet 1572, Orphanet 696894, MedGen C3542922, MONDO:0013862, OMIM 614699.

Submissions (2):

Center for Genomic Medicine, Rigshospitalet, Copenhagen University Hospital
Classification: Uncertain significance. Last evaluated: 2025-03-04. Review status: criteria provided, single submitter. Criteria: ACMG Guidelines, 2015. Collection method: clinical testing. Allele origin: germline.

Labcorp Genetics (formerly Invitae), Labcorp
Classification: Uncertain significance for Immunodeficiency, common variable, 7. Last evaluated: 2023-10-05. Review status: criteria provided, single submitter. Criteria: Invitae Variant Classification Sherloc (09022015). Collection method: clinical testing. Allele origin: germline.
Comment: This variant, c.2854_2856del, results in the deletion of 1 amino acid(s) of the CR2 protein (p.Leu952del), but otherwise preserves the integrity of the reading frame. This variant is present in population databases (rs757707093, gnomAD 0.01%). This variant has not been reported in the literature in individuals affected with CR2-related conditions. Experimental studies and prediction algorithms are not available or were not evaluated, and the functional significance of this variant is currently unknown. In summary, the available evidence is currently insufficient to determine the role of this variant in disease. Therefore, it has been classified as a Variant of Uncertain Significance.

NM_001006658.3(CR2):c.2851CTT[1] (p.Leu952del)

Gene: CR2 (complement C3d receptor 2; plus strand). Cytogenetic location: 1q32.2.
Variant type: Microsatellite.
Coding change: c.2851CTT[1] on transcript NM_001006658.3 (MANE Select); one copy of the 3-base unit CTT starting at c.2851; the reference has two copies in a row; one copy, 3 bases deleted.
Protein change: p.Leu952del; deletes leucine 952.
Molecular consequence: inframe deletion.
Genome position (GRCh38, 1-based): chr1:207,476,371-207,476,373, CTT deleted; deleting any 3 consecutive bases within chr1:207,476,368-207,476,373 gives the same sequence; the position shown is the placement nearest the transcript's 3' end. VCF-style (leftmost placement, unchanged base first): chr1-207476367-CCTT-C. GRCh37 (hg19) VCF-style: chr1-207649712-CCTT-C.
Other names: c.2674CTT[1], p.Leu893del (NM_001877.5); c.2854_2856delCTT (NM_001006658.3); short protein forms L893del, L952del.
Identifiers: ClinVar variation 1370192 (VCV001370192.8), dbSNP rs757707093, ClinGen allele CA1369076.
Genomic context (GRCh38, chr1:207,476,367, plus strand): 5'-TCCTGGAATGTCAATCCTGTACAGCTGTGACCAAGGCTACCTGCTGGTGGGAGAGGCACT[CCTT>C]CTTTGCACACATGAGGGAACCTGGAGCCAACCTGCCCCTCATTGTAAAGGTGCTTTGTCT-3'